The following is an entry in ClinVar:

ClinVar aggregate classification (germline): Conflicting classifications of pathogenicity. Review status: criteria provided, conflicting classifications (1 of 4 stars). 7 submissions from 7 submitters: Uncertain significance (5); Benign (1); Likely benign (1). Last evaluated 2025-08-07.

Conditions:
Hereditary cancer-predisposing syndrome. Also called: Neoplastic Syndromes, Hereditary; Tumor predisposition; Hereditary Cancer Syndrome; Hereditary neoplastic syndrome. Identifiers: Orphanet 140162, MedGen C0027672, MeSH D009386, MONDO:0015356.
Hereditary nonpolyposis colorectal neoplasms. Identifiers: MedGen C0009405, MeSH D003123.
Lynch syndrome. Identifiers: Orphanet 144, MedGen C4552100, MONDO:0005835. Disease mechanism: loss of function.

Allele frequency attached by ClinVar (database versions not stated): gnomAD exomes below 0.00001 and 0.00001; TOPMed below 0.00001; ESP Exome Variant Server 0.00008.
gnomAD v4.1: 12 of 1,614,168 alleles (0.00074%); highest among the groups gnomAD compares: Non-Finnish European, 0.00093%; no homozygotes.

Submissions (7):

Labcorp Genetics (formerly Invitae), Labcorp
Classification: Benign for Hereditary nonpolyposis colorectal neoplasms. Last evaluated: 2025-08-07. Review status: criteria provided, single submitter. Criteria: Invitae Variant Classification Sherloc (09022015). Collection method: clinical testing. Allele origin: germline.

All of Us Research Program, National Institutes of Health
Classification: Uncertain significance for Lynch syndrome. Last evaluated: 2024-08-13. Review status: criteria provided, single submitter. Criteria: ACMG Guidelines, 2015. Collection method: clinical testing. Allele origin: germline. Inheritance: Autosomal dominant inheritance. Observed: 3 variant alleles, 3 heterozygotes.
Comment: This missense variant replaces glycine with alanine at codon 480 of the PMS2 protein. Computational prediction suggests that this variant may not impact protein structure and function (internally defined REVEL score threshold <= 0.5, PMID: 27666373). To our knowledge, functional studies have not been reported for this variant. This variant has been reported in an individual affected with pancreatic cancer (PMID: 25479140). This variant has been identified in 1/251490 chromosomes in the general population by the Genome Aggregation Database (gnomAD). The available evidence is insufficient to determine the role of this variant in disease conclusively. Therefore, this variant is classified as a Variant of Uncertain Significance.

This study involves interpretation of variants in research participants for the purpose of population health screening. Participant phenotype was not available at the time of variant classification. Additional details can be found in publication PMID: 35346344, PMCID: PMC8962531

Color Diagnostics, LLC DBA Color Health
Classification: Uncertain significance for Hereditary cancer-predisposing syndrome. Last evaluated: 2024-07-31. Review status: criteria provided, single submitter. Criteria: ACMG Guidelines, 2015. Collection method: clinical testing. Allele origin: germline.
Comment: This missense variant replaces glycine with alanine at codon 480 of the PMS2 protein. Computational prediction suggests that this variant may not impact protein structure and function (internally defined REVEL score threshold <= 0.5, PMID: 27666373). To our knowledge, functional studies have not been reported for this variant. This variant has been reported in an individual affected with pancreatic cancer (PMID: 25479140). This variant has been identified in 1/251490 chromosomes in the general population by the Genome Aggregation Database (gnomAD). The available evidence is insufficient to determine the role of this variant in disease conclusively. Therefore, this variant is classified as a Variant of Uncertain Significance.

Ambry Genetics
Classification: Likely benign for Hereditary cancer-predisposing syndrome. Last evaluated: 2023-10-24. Review status: criteria provided, single submitter. Criteria: Ambry Variant Classification Scheme 2023. Collection method: clinical testing. Allele origin: germline.

GeneDx
Classification: Uncertain significance. Last evaluated: 2023-06-08. Review status: criteria provided, single submitter. Criteria: GeneDx Variant Classification Process June 2021. Collection method: clinical testing. Allele origin: germline. Affected: yes.
Comment: Not observed at significant frequency in large population cohorts (gnomAD); In silico analysis supports that this missense variant does not alter protein structure/function; Observed in an individual with pancreatic cancer (Grant et al., 2015); This variant is associated with the following publications: (PMID: 25479140)

Women's Health and Genetics/Laboratory Corporation of America, LabCorp
Classification: Uncertain significance. Last evaluated: 2021-07-03. Review status: criteria provided, single submitter. Criteria: LabCorp Variant Classification Summary - May 2015. Collection method: clinical testing. Allele origin: germline.
Comment: Variant summary: PMS2 c.1439G>C (p.Gly480Ala) results in a non-conservative amino acid change in the encoded protein sequence. Four of five in-silico tools predict a benign effect of the variant on protein function. The variant allele was found at a frequency of 4e-06 in 251490 control chromosomes. The available data on variant occurrences in the general population are insufficient to allow any conclusion about variant significance. c.1439G>C has been reported in the literature among rare non synonymous single nucleotide variants (SNV) identified in a cohort of patients with pancreatic cancer (Grant_2015). This report does not provide unequivocal conclusions about association of the variant with Lynch Syndrome. To our knowledge, no experimental evidence demonstrating an impact on protein function has been reported. Five clinical diagnostic laboratories have submitted clinical-significance assessments for this variant to ClinVar after 2014 without evidence for independent evaluation. All laboratories classified the variant as uncertain significance. Based on the evidence outlined above, the variant was classified as uncertain significance.

Quest Diagnostics Nichols Institute San Juan Capistrano
Classification: Uncertain significance. Last evaluated: 2017-10-26. Review status: criteria provided, single submitter. Criteria: Quest Diagnostics criteria. Collection method: clinical testing. Allele origin: germline.

Literature cited by the submitters: PubMed 25479140 (cited by 3 submitters).

NM_000535.7(PMS2):c.1439G>C (p.Gly480Ala)

Gene: PMS2 (PMS1 homolog 2, mismatch repair system component; minus strand). Cytogenetic location: 7p22.1.
Variant type: single nucleotide variant.
Coding change: c.1439G>C on transcript NM_000535.7 (MANE Select); coding-DNA position 1439, G replaced by C.
Protein change: p.Gly480Ala; replaces glycine 480 with alanine.
Molecular consequence: missense variant. On other transcripts: non-coding transcript variant (1).
Genome position (GRCh38, 1-based): chr7:5,987,326, C>G on the plus strand (G>C on the coding strand, the complement: PMS2 is on the minus strand). VCF-style: chr7-5987326-C-G. GRCh37 (hg19) VCF-style: chr7-6026957-C-G.
Other names: c.1034G>C, p.Gly345Ala (NM_001322003.2, NM_001322004.2, NM_001322005.2 and 1 more transcripts); c.1283G>C, p.Gly428Ala (NM_001322006.2); c.1121G>C, p.Gly374Ala (NM_001322007.2, NM_001322008.2); c.878G>C, p.Gly293Ala (NM_001322010.2); c.506G>C, p.Gly169Ala (NM_001322011.2, NM_001322012.2); c.866G>C, p.Gly289Ala (NM_001322013.2); c.1439G>C, p.Gly480Ala (NM_001322014.2); c.1130G>C, p.Gly377Ala (NM_001322015.2); short protein forms G480A, G428A, G169A, G289A, G345A, G374A, G377A, G293A.
Identifiers: ClinVar variation 230824 (VCV000230824.24), dbSNP rs373917897, ClinGen allele CA10578676.